The following is an entry in ClinVar:

NM_021008.4(DEAF1):c.674G>A (p.Gly225Glu)

Gene: DEAF1 (DEAF1 transcription factor; minus strand). Cytogenetic location: 11p15.5.
Variant type: single nucleotide variant.
Coding change: c.674G>A on transcript NM_021008.4 (MANE Select); coding-DNA position 674, G replaced by A.
Protein change: p.Gly225Glu; replaces glycine 225 with glutamic acid.
Molecular consequence: missense variant. On other transcripts: 5 prime UTR variant (4), intron variant (1).
Genome position (GRCh38, 1-based): chr11:686,988, C>T on the plus strand (G>A on the coding strand, the complement: DEAF1 is on the minus strand). VCF-style: chr11-686988-C-T. GRCh37 (hg19) VCF-style: chr11-686988-C-T.
Other names: c.-53G>A (NM_001367390.1, NM_001440885.1, NM_001440886.1 and 1 more transcripts); c.674G>A, p.Gly225Glu (NM_001440883.1, NM_001440884.1); c.664+923G>A (NM_001293634.2); short protein forms G225E.
Identifiers: ClinVar variation 1687234 (VCV001687234.1), dbSNP rs2133402741, ClinGen allele CA378932898.

ClinVar aggregate classification (germline): Pathogenic (1 of 4 stars; one submission).

Conditions:
Intellectual disability, autosomal dominant 24 (VSVS). Also called: VULTO-VAN SILFHOUT-DE VRIES SYNDROME. Identifiers: MedGen C4014414, MONDO:0014357, OMIM 615828.

Submission:

3billion
Classification: Pathogenic for Intellectual disability, autosomal dominant 24. Last evaluated: 2022-05-22. Review status: criteria provided, single submitter. Criteria: ACMG Guidelines, 2015. Collection method: clinical testing. Allele origin: germline. Affected: yes. Observed: 1 heterozygote.
Comment: Same nucleotide change resulting in same amino acid change has been previously reported to be associated with DEAF1 related disorder (PMID: 30923367). The variant has been previously reported as de novo in a similarly affected individual (PMID: 30923367) It is not observed in the gnomAD v2.1.1 dataset. Missense changes are a common disease-causing mechanism. Functional studies provide strong evidence of the variant having a damaging effect on the gene or gene product (PMID:30923367). Therefore, this variant is classified as pathogenic according to the recommendation of ACMG/AMP guideline.

Literature cited by the submitters: PubMed 30923367.